The following is an entry in ClinVar:

NM_153605.4(CRYBG3):c.7263T>C (p.Ser2421=)

Gene: CRYBG3 (crystallin beta-gamma domain containing 3; plus strand). Cytogenetic location: 3q11.2.
Variant type: single nucleotide variant.
Coding change: c.7263T>C on transcript NM_153605.4 (MANE Select); coding-DNA position 7263, T replaced by C.
Protein change: p.Ser2421=; no amino-acid change (serine 2421 retained).
Molecular consequence: synonymous variant.
Genome position (GRCh38, 1-based): chr3:97,886,741, T>C. VCF-style: chr3-97886741-T-C. GRCh37 (hg19) VCF-style: chr3-97605585-T-C.
Identifiers: ClinVar variation 2653997 (VCV002653997.24), dbSNP rs1282059528, ClinGen allele CA434659135.

ClinVar aggregate classification (germline): Likely benign (1 of 4 stars; one submission).

Allele frequency attached by ClinVar (database versions not stated): gnomAD exomes 0.00001.
gnomAD v4.1: 7 of 1,609,350 alleles (0.00043%); highest among the groups gnomAD compares: Non-Finnish European, 0.00059%; no homozygotes.

Submission:

CeGaT Center for Human Genetics Tuebingen
Classification: Likely benign. Last evaluated: 2023-01-01. Review status: criteria provided, single submitter. Criteria: CeGaT Center For Human Genetics Tuebingen Variant Classification Criteria Version 2. Collection method: clinical testing. Allele origin: germline. Affected: yes. Observed: 1 variant allele.
Comment: CRYBG3: BP4, BP7